The following is an entry in ClinVar:

NM_000017.4(ACADS):c.962_973del (p.Leu321_Ala324del)

Gene: ACADS (acyl-CoA dehydrogenase short chain; plus strand). Cytogenetic location: 12q24.31.
Variant type: Deletion.
Coding change: c.962_973del on transcript NM_000017.4 (MANE Select); coding-DNA positions 962 to 973, 12 bases deleted (TGGAGAGTGCCC).
Protein change: p.Leu321_Ala324del.
Molecular consequence: inframe deletion.
Genome position (GRCh38, 1-based): chr12:120,738,848-120,738,859, TGGAGAGTGCCC deleted; deleting any 12 consecutive bases within chr12:120,738,844-120,738,859 gives the same sequence; the c. name uses the placement nearest the transcript's 3' end. VCF-style (leftmost placement, unchanged base first): chr12-120738843-GGCCCTGGAGAGT-G. GRCh37 (hg19) VCF-style: chr12-121176646-GGCCCTGGAGAGT-G.
Other names: c.950_961del, p.Leu317_Ala320del (NM_001302554.2).
Identifiers: ClinVar variation 965076 (VCV000965076.1), dbSNP rs1373044759, ClinGen allele CA684418574.

ClinVar aggregate classification (germline): Uncertain significance (1 of 4 stars; one submission).

Conditions:
Deficiency of butyryl-CoA dehydrogenase (ACADSD). Also called: SCADH DEFICIENCY; SCAD Deficiency; ACYL-CoA DEHYDROGENASE, SHORT-CHAIN, DEFICIENCY OF; SCAD DEFICIENCY, MILD; ACADS DEFICIENCY; Short-Chain Acyl-CoA Dehydrogenase Deficiency. Identifiers: Orphanet 26792, MedGen C0342783, MONDO:0008722, OMIM 201470. Disease mechanism: May be benign.

Submission:

Labcorp Genetics (formerly Invitae), Labcorp
Classification: Uncertain significance for Deficiency of butyryl-CoA dehydrogenase. Last evaluated: 2019-11-12. Review status: criteria provided, single submitter. Criteria: Invitae Variant Classification Sherloc (09022015). Collection method: clinical testing. Allele origin: germline.
Comment: This variant, c.962_973del, results in the deletion of 4 amino acid(s) of the ACADS protein (p.Leu321_Ala324del), but otherwise preserves the integrity of the reading frame. This variant is not present in population databases (ExAC no frequency). This variant has not been reported in the literature in individuals with ACADS-related conditions. Experimental studies and prediction algorithms are not available or were not evaluated, and the functional significance of this variant is currently unknown. In summary, the available evidence is currently insufficient to determine the role of this variant in disease. Therefore, it has been classified as a Variant of Uncertain Significance.